The following is an entry in ClinVar:

NM_025144.4(ALPK1):c.2412G>C (p.Arg804Ser)

Gene: ALPK1 (alpha kinase 1; plus strand). Cytogenetic location: 4q25.
Variant type: single nucleotide variant.
Coding change: c.2412G>C on transcript NM_025144.4 (MANE Select); coding-DNA position 2412, G replaced by C.
Protein change: p.Arg804Ser; replaces arginine 804 with serine.
Molecular consequence: missense variant.
Genome position (GRCh38, 1-based): chr4:112,431,959, G>C. VCF-style: chr4-112431959-G-C. GRCh37 (hg19) VCF-style: chr4-113353115-G-C.
Other names: c.2412G>C, p.Arg804Ser (NM_001102406.2); c.2178G>C, p.Arg726Ser (NM_001253884.2); short protein forms R726S, R804S.
Identifiers: ClinVar variation 2084658 (VCV002084658.4), dbSNP rs201734481, ClinGen allele CA3046915.

ClinVar aggregate classification (germline): Uncertain significance. Review status: criteria provided, multiple submitters, no conflicts (2 of 4 stars). 2 submissions from 2 submitters: Uncertain significance (2). Last evaluated 2025-11-01.

Conditions:
Inborn genetic diseases. Identifiers: MedGen C0950123, MeSH D030342.

Allele frequency attached by ClinVar (database versions not stated): ExAC 0.00002; gnomAD 0.00014; TOPMed 0.00037.
gnomAD v4.1: 50 of 1,613,980 alleles (0.0031%); highest among the groups gnomAD compares: Admixed American, 0.047%; no homozygotes.

Submissions (2):

Labcorp Genetics (formerly Invitae), Labcorp
Classification: Uncertain significance. Last evaluated: 2025-11-01. Review status: criteria provided, single submitter. Criteria: Invitae Variant Classification Sherloc (09022015). Collection method: clinical testing. Allele origin: germline.
Comment: This sequence change replaces arginine, which is basic and polar, with serine, which is neutral and polar, at codon 804 of the ALPK1 protein (p.Arg804Ser). This variant is present in population databases (rs201734481, gnomAD 0.01%). This variant has not been reported in the literature in individuals affected with ALPK1-related conditions. ClinVar contains an entry for this variant (Variation ID: 2084658). Invitae Evidence Modeling of protein sequence and biophysical properties (such as structural, functional, and spatial information, amino acid conservation, physicochemical variation, residue mobility, and thermodynamic stability) indicates that this missense variant is not expected to disrupt ALPK1 protein function with a negative predictive value of 80%. In summary, the available evidence is currently insufficient to determine the role of this variant in disease. Therefore, it has been classified as a Variant of Uncertain Significance.

Ambry Genetics
Classification: Uncertain significance for Inborn genetic diseases. Last evaluated: 2022-05-18. Review status: criteria provided, single submitter. Criteria: Ambry General Variant Classification Scheme_2022. Collection method: clinical testing. Allele origin: germline. Observed: 1 variant allele.